The following is an entry in ClinVar:

NM_004972.4(JAK2):c.409del (p.Ser137fs)

Genes: INSL6 (insulin like 6; minus strand), JAK2 (Janus kinase 2; plus strand). Cytogenetic location: 9p24.1.
Variant type: Deletion.
Coding change: c.409del on transcript NM_004972.4 (MANE Select); coding-DNA position 409, one base deleted (T; older notation c.409delT).
Protein change: p.Ser137fs; shifts the reading frame from serine 137.
Molecular consequence: frameshift variant. On other transcripts: 5 prime UTR variant (3), non-coding transcript variant (2).
Genome position (GRCh38, 1-based): chr9:5,044,461, T deleted. VCF-style (leftmost placement, unchanged base first): chr9-5044460-AT-A. GRCh37 (hg19) VCF-style: chr9-5044460-AT-A.
Other names: c.409del, p.Ser137fs (NM_001322194.2, NM_001322195.2, NM_001322196.2); c.-712del (NM_001322198.2, NM_001322199.2); c.-39del (NM_001322204.2); short protein forms S137fs.
Identifiers: ClinVar variation 3645127 (VCV003645127.2).

ClinVar aggregate classification (germline): Uncertain significance (1 of 4 stars; one submission).

Submission:

Labcorp Genetics (formerly Invitae), Labcorp
Classification: Uncertain significance. Last evaluated: 2024-03-08. Review status: criteria provided, single submitter. Criteria: Invitae Variant Classification Sherloc (09022015). Collection method: clinical testing. Allele origin: germline.
Comment: This sequence change creates a premature translational stop signal (p.Ser137Leufs*30) in the JAK2 gene. It is expected to result in an absent or disrupted protein product. However, the current clinical and genetic evidence is not sufficient to establish whether loss-of-function variants in JAK2 cause disease. This variant is not present in population databases (gnomAD no frequency). This variant has not been reported in the literature in individuals affected with JAK2-related conditions. In summary, the available evidence is currently insufficient to determine the role of this variant in disease. Therefore, it has been classified as a Variant of Uncertain Significance.